The following is an entry in ClinVar:

NM_012186.3(FOXE3):c.358C>T (p.Arg120Cys)

Genes: LINC01389 (long independently transcribed non-coding RNA 1389; minus strand), FOXE3 (forkhead box E3; plus strand). Cytogenetic location: 1p33.
Variant type: single nucleotide variant.
Coding change: c.358C>T on transcript NM_012186.3 (MANE Select); coding-DNA position 358, C replaced by T.
Protein change: p.Arg120Cys; replaces arginine 120 with cysteine.
Molecular consequence: missense variant.
Genome position (GRCh38, 1-based): chr1:47,416,673, C>T. VCF-style: chr1-47416673-C-T. GRCh37 (hg19) VCF-style: chr1-47882345-C-T.
Other names: short protein forms R120C.
Identifiers: ClinVar variation 931025 (VCV000931025.8), dbSNP rs1646884682, ClinGen allele CA340249699.

ClinVar aggregate classification (germline): Uncertain significance. Review status: criteria provided, multiple submitters, no conflicts (2 of 4 stars). 2 submissions from 2 submitters: Uncertain significance (2). Last evaluated 2022-08-29.

Conditions:
Congenital primary aphakia. Also called: Anterior segment dysgenesis 2, multiple subtypes; ANTERIOR SEGMENT DYSGENESIS 2. Identifiers: Orphanet 83461, MedGen C1853230, MONDO:0012456, OMIM 610256.
Anterior segment dysgenesis. Also called: Ocular anterior segment dysgenesis. Identifiers: Orphanet 88632, MedGen C1862839, MONDO:0019503, HP:0007700.

Submissions (2):

Labcorp Genetics (formerly Invitae), Labcorp
Classification: Uncertain significance for Anterior segment dysgenesis; Congenital primary aphakia. Last evaluated: 2022-08-29. Review status: criteria provided, single submitter. Criteria: Invitae Variant Classification Sherloc (09022015). Collection method: clinical testing. Allele origin: germline.
Comment: In summary, the available evidence is currently insufficient to determine the role of this variant in disease. Therefore, it has been classified as a Variant of Uncertain Significance. Advanced modeling of protein sequence and biophysical properties (such as structural, functional, and spatial information, amino acid conservation, physicochemical variation, residue mobility, and thermodynamic stability) performed at Invitae indicates that this missense variant is expected to disrupt FOXE3 protein function. ClinVar contains an entry for this variant (Variation ID: 931025). This variant has not been reported in the literature in individuals affected with FOXE3-related conditions. This variant is not present in population databases (gnomAD no frequency). This sequence change replaces arginine, which is basic and polar, with cysteine, which is neutral and slightly polar, at codon 120 of the FOXE3 protein (p.Arg120Cys).

Centre for Mendelian Genomics, University Medical Centre Ljubljana
Classification: Uncertain significance for Congenital primary aphakia. Last evaluated: 2019-02-24. Review status: criteria provided, single submitter. Criteria: ACMG Guidelines, 2015. Collection method: clinical testing. Allele origin: unknown. Affected: yes.
Comment: This variant was classified as: Uncertain significance. The following ACMG criteria were applied in classifying this variant: PM2,PP3.